The following is an entry in ClinVar:

ClinVar aggregate classification (germline): Pathogenic. Review status: criteria provided, multiple submitters, no conflicts (2 of 4 stars). 3 submissions from 3 submitters: Pathogenic (3). Last evaluated 2025-08-13.

Conditions:
CHD7-related CHARGE syndrome. Identifiers: MedGen CN380413, MONDO:1010178, OMIM 214800.
CHARGE syndrome (CHARGE). Also called: Hittner Hirsch Kreh syndrome; CHARGE ASSOCIATION--COLOBOMA, HEART ANOMALY, CHOANAL ATRESIA, RETARDATION, GENITAL AND EAR ANOMALIES; Coloboma, heart anomaly, choanal atresia, retardation, genital and ear anomalies; CHARGE association; Hall-Hittner syndrome. Identifiers: Orphanet 138, MedGen C0265354, MONDO:0008965.

Submissions (3):

3billion
Classification: Pathogenic for CHD7-related CHARGE syndrome. Last evaluated: 2025-08-13. Review status: criteria provided, single submitter. Criteria: ACMG Guidelines, 2015. Collection method: clinical testing. Allele origin: germline. Affected: yes.
Comment: The variant is not observed in the gnomAD v4.1.0 dataset. Predicted Consequence/Location: Frameshift: predicted to result in a loss or disruption of normal protein function through nonsense-mediated decay (NMD) or protein truncation. Multiple pathogenic variants are reported downstream of the variant. The variant has been reported at least twice as pathogenic without evidence for the classification (ClinVar ID: VCV003720827 /PMID: 26590800). Therefore, this variant is classified as Pathogenic according to the recommendation of ACMG/AMP guideline.

GeneDx
Classification: Pathogenic. Last evaluated: 2024-11-20. Review status: criteria provided, single submitter. Criteria: GeneDx Variant Classification Process June 2021. Collection method: clinical testing. Allele origin: germline. Affected: yes.
Comment: Frameshift variant predicted to result in protein truncation or nonsense mediated decay in a gene for which loss of function is a known mechanism of disease; Not observed at significant frequency in large population cohorts (gnomAD); This variant is associated with the following publications: (PMID: 26590800)

Labcorp Genetics (formerly Invitae), Labcorp
Classification: Pathogenic for CHARGE syndrome. Last evaluated: 2024-07-01. Review status: criteria provided, single submitter. Criteria: Invitae Variant Classification Sherloc (09022015). Collection method: clinical testing. Allele origin: germline.
Comment: This sequence change creates a premature translational stop signal (p.Lys643Glufs*33) in the CHD7 gene. It is expected to result in an absent or disrupted protein product. Loss-of-function variants in CHD7 are known to be pathogenic (PMID: 22461308, 25077900). This variant is not present in population databases (gnomAD no frequency). This premature translational stop signal has been observed in individual(s) with CHARGE syndrome (PMID: 26590800). For these reasons, this variant has been classified as Pathogenic.

Literature cited by the submitters: PubMed 26590800 (cited by 3billion and Labcorp Genetics (formerly Invitae), Labcorp); PubMed 22461308 (cited by Labcorp Genetics (formerly Invitae), Labcorp); PubMed 25077900 (cited by Labcorp Genetics (formerly Invitae), Labcorp).

NM_017780.4(CHD7):c.1925dup (p.Lys643fs)

Genes: CHD7 (chromodomain helicase DNA binding protein 7; plus strand), LOC126860403 (CDK7 strongly-dependent group 2 enhancer GRCh37_chr8:61693034-61694233; plus strand). Cytogenetic location: 8q12.2.
Variant type: Duplication.
Coding change: c.1925dup on transcript NM_017780.4 (MANE Select); coding-DNA position 1925, one base duplicated (A; older notation c.1925dupA).
Protein change: p.Lys643fs; shifts the reading frame from lysine 643.
Molecular consequence: frameshift variant. On other transcripts: intron variant (1).
Genome position (GRCh38, 1-based): chr8:60,781,259, A duplicated; the last of 7 consecutive A bases (chr8:60,781,253-60,781,259); duplicating any one gives the same sequence. VCF-style (leftmost placement, unchanged base first): chr8-60781252-G-GA. GRCh37 (hg19) VCF-style: chr8-61693811-G-GA.
Other names: c.1716+209dup (NM_001316690.1); short protein forms K643fs.
Identifiers: ClinVar variation 3720827 (VCV003720827.4).
Genomic context (GRCh38, chr8:60,781,252, plus strand): 5'-TTCCCTGGTGGGGTAGATAACCAAGAACTAAATAGGAACTCACTGGATGGGTCCCAAGAA[G>GA]AAAAAAAGAAAAAGAAAAGGTCAAAGGCAAAAAAAGACCCGAAGGAACCGAAAGAACCCA-3'